The following is an entry in ClinVar:

ClinVar aggregate classification (germline): Uncertain significance (1 of 4 stars; one submission).

Allele frequency attached by ClinVar (database versions not stated): TOPMed below 0.00001.

Submission:

Labcorp Genetics (formerly Invitae), Labcorp
Classification: Uncertain significance. Last evaluated: 2023-05-30. Review status: criteria provided, single submitter. Criteria: Invitae Variant Classification Sherloc (09022015). Collection method: clinical testing. Allele origin: germline.
Comment: This sequence change replaces arginine, which is basic and polar, with cysteine, which is neutral and slightly polar, at codon 14 of the ATP5D protein (p.Arg14Cys). This variant is not present in population databases (gnomAD no frequency). This variant has not been reported in the literature in individuals affected with ATP5D-related conditions. Algorithms developed to predict the effect of missense changes on protein structure and function output the following: SIFT: "Not Available"; PolyPhen-2: "Not Available"; Align-GVGD: "Not Available". The cysteine amino acid residue is found in multiple mammalian species, which suggests that this missense change does not adversely affect protein function. In summary, the available evidence is currently insufficient to determine the role of this variant in disease. Therefore, it has been classified as a Variant of Uncertain Significance.

NM_001687.5(ATP5F1D):c.40C>T (p.Arg14Cys)

Gene: ATP5F1D (ATP synthase F1 subunit delta; plus strand). Cytogenetic location: 19p13.3.
Variant type: single nucleotide variant.
Coding change: c.40C>T on transcript NM_001687.5 (MANE Select); coding-DNA position 40, C replaced by T.
Protein change: p.Arg14Cys; replaces arginine 14 with cysteine.
Molecular consequence: missense variant.
Genome position (GRCh38, 1-based): chr19:1,241,890, C>T. VCF-style: chr19-1241890-C-T. GRCh37 (hg19) VCF-style: chr19-1241889-C-T.
Other names: c.40C>T, p.Arg14Cys (NM_001001975.2); short protein forms R14C.
Identifiers: ClinVar variation 3018629 (VCV003018629.3), dbSNP rs758564942, ClinGen allele CA402978784.